The following is an entry in ClinVar:

ClinVar aggregate classification (germline): Uncertain significance. Review status: reviewed by expert panel (3 of 4 stars). 8 submissions from 8 submitters: Uncertain significance (1). 7 of the submissions do not count toward it. Last evaluated 2024-01-10.

Conditions:
Severe combined immunodeficiency, autosomal recessive, T cell-negative, B cell-negative, NK cell-negative, due to adenosine deaminase deficiency. Also called: ADA-SCID; SCID DUE TO ADA DEFICIENCY; SCID DUE TO ADA DEFICIENCY, EARLY-ONSET; ADA deficiency; Adenosine deaminase deficient severe combined immunodeficiency; Severe combined immunodeficiency due to ADA deficiency. Identifiers: Orphanet 277, MedGen C0392607, MONDO:0007064, OMIM 102700.

Allele frequency attached by ClinVar (database versions not stated): gnomAD exomes 0.00002; TOPMed 0.00002; ExAC 0.00003; gnomAD 0.00003.
gnomAD v4.1: 29 of 1,614,110 alleles (0.0018%); highest among the groups gnomAD compares: East Asian, 0.02%; no homozygotes.

Submissions (8):

ClinGen Severe Combined Immunodeficiency Variant Curation Expert Panel, ClinGen
Classification: Uncertain significance for Severe combined immunodeficiency, autosomal recessive, T cell-negative, B cell-negative, NK cell-negative, due to adenosine deaminase deficiency. Last evaluated: 2024-01-10. Review status: reviewed by expert panel. Criteria: ClinGen SCID ACMG Specifications ADA V1.0.0. Collection method: curation. Allele origin: germline. Inheritance: Autosomal recessive inheritance.
Comment: NM_000022.4(ADA):c.715G>A is a missense variant predicted to cause substitution of Glycine by Serine at amino acid 239 (p.Gly239Ser). The filtering allele frequency (the upper threshold of the 95% CI of 9/44902) of the c.715G>A variant in ADA is 0.00008198 for East Asian chromosomes by gnomAD v4, which is lower than the ClinGen SCID VCEP threshold 0.0001742 for PM2_Supporting, and therefore meets this criterion (PM2_Supporting). Another missense variant [c.716G>A], p.Gly239Asp] in the same codon has been classified as likely pathogenic for SCID by the ClinGen SCID VCEP (PM5_Supporting). Based on the above evidence, this variant may be classified as variant of uncertain significance for autosomal recessive SCID based on ACMG/AMP criteria applied, as specified by the ClinGen SCID VCEP(specification version 1.0): PM2_Supporting,PM5_Supporting.

Baylor Genetics
Classification: Likely pathogenic for Severe combined immunodeficiency, autosomal recessive, T cell-negative, B cell-negative, NK cell-negative, due to adenosine deaminase deficiency. Last evaluated: 2024-02-02. Review status: criteria provided, single submitter. Criteria: ACMG Guidelines, 2015. Collection method: clinical testing. Allele origin: unknown. Not counted in ClinVar's aggregate classification.

Labcorp Genetics (formerly Invitae), Labcorp
Classification: Likely pathogenic for Severe combined immunodeficiency, autosomal recessive, T cell-negative, B cell-negative, NK cell-negative, due to adenosine deaminase deficiency. Last evaluated: 2023-11-27. Review status: criteria provided, single submitter. Criteria: Invitae Variant Classification Sherloc (09022015). Collection method: clinical testing. Allele origin: germline. Not counted in ClinVar's aggregate classification.
Comment: This sequence change replaces glycine, which is neutral and non-polar, with serine, which is neutral and polar, at codon 239 of the ADA protein (p.Gly239Ser). This variant is present in population databases (rs777820729, gnomAD 0.004%). This missense change has been observed in individual(s) with ADA-related conditions (PMID: 21410451). ClinVar contains an entry for this variant (Variation ID: 338506). Advanced modeling of protein sequence and biophysical properties (such as structural, functional, and spatial information, amino acid conservation, physicochemical variation, residue mobility, and thermodynamic stability) performed at Invitae indicates that this missense variant is expected to disrupt ADA protein function with a positive predictive value of 80%. Experimental studies have shown that this missense change affects ADA function (PMID: 11160213). This variant disrupts the p.Gly239 amino acid residue in ADA. Other variant(s) that disrupt this residue have been determined to be pathogenic (PMID: 26255240, 30858051). This suggests that this residue is clinically significant, and that variants that disrupt this residue are likely to be disease-causing. In summary, the currently available evidence indicates that the variant is pathogenic, but additional data are needed to prove that conclusively. Therefore, this variant has been classified as Likely Pathogenic.

Women's Health and Genetics/Laboratory Corporation of America, LabCorp
Classification: Uncertain significance. Last evaluated: 2023-04-18. Review status: criteria provided, single submitter. Criteria: LabCorp Variant Classification Summary - May 2015. Collection method: clinical testing. Allele origin: germline. Not counted in ClinVar's aggregate classification.
Comment: Variant summary: ADA c.715G>A (p.Gly239Ser) results in a non-conservative amino acid change located in the Adenosine deaminase domain (IPR001365) of the encoded protein sequence. Five of five in-silico tools predict a damaging effect of the variant on protein function. The variant allele was found at a frequency of 2.4e-05 in 251488 control chromosomes. c.715G>A has been reported in the literature in a paradoxical healthy carrier mother of a SCID proband who also carried G74D in trans, while the affected proband did not carry the variant of interest (Ariga_2001). This paradoxical healthy carrier displayed ADA activity in PBMC and granulocytes at about 1% of normal, however had a normal number of lymphocytes in peripheral blood and did not display any SCID phenotype. Additionally, the variant was reported in a SCID infant who carried Q119X in trans and R34S in cis (Okura_2011). From both patient reports, functional studies were performed for the variants in isolation and in combination. In both studies, ADA activity in transfected cells was reported at <10% of wild-type in transfected cells (Ariga_2001, Okura_2011). Six clinical diagnostic laboratories have submitted clinical-significance assessments for this variant to ClinVar after 2014 without evidence for independent evaluation. Multiple laboratories reported the variant with conflicting assessments, classifying the variant as likely pathogenic (n=3) or uncertain significance (n=3). Based on the evidence outlined above, the variant was classified as VUS-possibly pathogenic.

Mendelics
Classification: Likely pathogenic for Severe combined immunodeficiency, autosomal recessive, T cell-negative, B cell-negative, NK cell-negative, due to adenosine deaminase deficiency. Last evaluated: 2022-05-04. Review status: criteria provided, single submitter. Criteria: Mendelics Assertion Criteria 2019. Collection method: clinical testing. Allele origin: germline. Not counted in ClinVar's aggregate classification.

Revvity Omics, Revvity
Classification: Likely pathogenic for Severe combined immunodeficiency, autosomal recessive, T cell-negative, B cell-negative, NK cell-negative, due to adenosine deaminase deficiency. Last evaluated: 2021-10-11. Review status: criteria provided, single submitter. Criteria: ACMG Guidelines, 2015. Collection method: clinical testing. Allele origin: germline. Not counted in ClinVar's aggregate classification.

Genome-Nilou Lab
Classification: Uncertain significance for Severe combined immunodeficiency, autosomal recessive, T cell-negative, B cell-negative, NK cell-negative, due to adenosine deaminase deficiency. Last evaluated: 2021-07-14. Review status: criteria provided, single submitter. Criteria: ACMG Guidelines, 2015. Collection method: clinical testing. Allele origin: germline. Affected: no. Not counted in ClinVar's aggregate classification.

Counsyl
Classification: Uncertain significance for Severe combined immunodeficiency, autosomal recessive, T cell-negative, B cell-negative, NK cell-negative, due to adenosine deaminase deficiency. Last evaluated: 2017-12-11. Review status: no assertion criteria provided. Collection method: clinical testing. Allele origin: unknown. Not counted in ClinVar's aggregate classification.

Literature cited by the submitters: PubMed 21410451 (cited by 3 submitters); PubMed 11160213 (cited by 3 submitters); PubMed 26255240 (cited by Labcorp Genetics (formerly Invitae), Labcorp); PubMed 30858051 (cited by Labcorp Genetics (formerly Invitae), Labcorp); PubMed 31781678 (cited by Women's Health and Genetics/Laboratory Corporation of America, LabCorp).

NM_000022.4(ADA):c.715G>A (p.Gly239Ser)

Gene: ADA (adenosine deaminase; minus strand). Cytogenetic location: 20q13.12.
Variant type: single nucleotide variant.
Coding change: c.715G>A on transcript NM_000022.4 (MANE Select); coding-DNA position 715, G replaced by A.
Protein change: p.Gly239Ser; replaces glycine 239 with serine.
Molecular consequence: missense variant. On other transcripts: non-coding transcript variant (1).
Genome position (GRCh38, 1-based): chr20:44,622,894, C>T on the plus strand (G>A on the coding strand, the complement: ADA is on the minus strand). VCF-style: chr20-44622894-C-T. GRCh37 (hg19) VCF-style: chr20-43251535-C-T.
Other names: NM_000022.4(ADA):c.715G>A; p.Gly239Ser; c.310G>A, p.Gly104Ser (NM_001322050.2); c.643G>A, p.Gly215Ser (NM_001322051.2); c.715G>A (NM_000022.3); short protein forms G239S, G104S, G215S.
Identifiers: ClinVar variation 338506 (VCV000338506.24), dbSNP rs777820729, ClinGen allele CA9871547.